The following is an entry in ClinVar:

NM_001170629.2(CHD8):c.5282A>G (p.Lys1761Arg)

Gene: CHD8 (chromodomain helicase DNA binding protein 8; minus strand). Cytogenetic location: 14q11.2.
Variant type: single nucleotide variant.
Coding change: c.5282A>G on transcript NM_001170629.2 (MANE Select); coding-DNA position 5282, A replaced by G.
Protein change: p.Lys1761Arg; replaces lysine 1761 with arginine.
Molecular consequence: missense variant.
Genome position (GRCh38, 1-based): chr14:21,395,020, T>C on the plus strand (A>G on the coding strand, the complement: CHD8 is on the minus strand). VCF-style: chr14-21395020-T-C. GRCh37 (hg19) VCF-style: chr14-21863179-T-C.
Other names: c.4445A>G, p.Lys1482Arg (NM_020920.4); short protein forms K1761R, K1482R.
Identifiers: ClinVar variation 4775078 (VCV004775078.1).

ClinVar aggregate classification (germline): Uncertain significance (1 of 4 stars; one submission).

Submission:

Labcorp Genetics (formerly Invitae), Labcorp
Classification: Uncertain significance. Last evaluated: 2025-06-24. Review status: criteria provided, single submitter. Criteria: Invitae Variant Classification Sherloc (09022015). Collection method: clinical testing. Allele origin: germline.
Comment: This sequence change replaces lysine, which is basic and polar, with arginine, which is basic and polar, at codon 1761 of the CHD8 protein (p.Lys1761Arg). This variant is not present in population databases (gnomAD no frequency). This variant has not been reported in the literature in individuals affected with CHD8-related conditions. Invitae Evidence Modeling of protein sequence and biophysical properties (such as structural, functional, and spatial information, amino acid conservation, physicochemical variation, residue mobility, and thermodynamic stability) indicates that this missense variant is not expected to disrupt CHD8 protein function with a negative predictive value of 95%. In summary, the available evidence is currently insufficient to determine the role of this variant in disease. Therefore, it has been classified as a Variant of Uncertain Significance.